The following is an entry in ClinVar:

NM_001161352.2(KCNMA1):c.378+284C>T

Gene: KCNMA1 (potassium calcium-activated channel subfamily M alpha 1; minus strand). Cytogenetic location: 10q22.3.
Variant type: single nucleotide variant.
Coding change: c.378+284C>T on transcript NM_001161352.2 (MANE Select); 284 bases into the intron after coding-DNA position 378, C replaced by T.
Molecular consequence: intron variant. On other transcripts: missense variant (2).
Genome position (GRCh38, 1-based): chr10:77,636,981, G>A on the plus strand (C>T on the coding strand, the complement: KCNMA1 is on the minus strand). VCF-style: chr10-77636981-G-A. GRCh37 (hg19) VCF-style: chr10-79396739-G-A.
Other names: c.404C>T, p.Pro135Leu (NM_001271520.2, NM_001322839.2); c.378+284C>T (NM_001271518.2, NM_001322832.2, NM_001410940.1 and 11 more transcripts); short protein forms P135L.
Identifiers: ClinVar variation 3388049 (VCV003388049.14).
Genomic context (GRCh38, chr10:77,636,981, plus strand): 5'-CGCTGAGTTGGCTGTCCCCACCCCGCACCACGGCACCCGAGCCTGTGAGTCCCCGACCCC[G>A]GCCCCAGCCGCAGCCGCCAACAACCCTACAATAAACAAGAGGACAGGATTGAGCGTCCGC-3'

ClinVar aggregate classification (germline): Uncertain significance (1 of 4 stars; one submission).

gnomAD v4.1: 2 of 1,404,436 alleles (0.00014%); highest among the groups gnomAD compares: African/African-American, 0.0015%; no homozygotes.

Submission:

CeGaT Center for Human Genetics Tuebingen
Classification: Uncertain significance. Last evaluated: 2024-09-01. Review status: criteria provided, single submitter. Criteria: CeGaT Center For Human Genetics Tuebingen Variant Classification Criteria Version 2. Collection method: clinical testing. Allele origin: germline. Affected: yes. Observed: 1 variant allele.
Comment: KCNMA1: PM2, PP2